The following is an entry in ClinVar:

NM_001393982.1(ANKRD36C):c.2303T>C (p.Leu768Ser)

Gene: ANKRD36C (ankyrin repeat domain 36C; minus strand). Cytogenetic location: 2q11.1.
Variant type: single nucleotide variant.
Coding change: c.2303T>C on transcript NM_001393982.1 (MANE Select); coding-DNA position 2303, T replaced by C.
Protein change: p.Leu768Ser; replaces leucine 768 with serine.
Molecular consequence: missense variant.
Genome position (GRCh38, 1-based): chr2:95,919,777, A>G on the plus strand (T>C on the coding strand, the complement: ANKRD36C is on the minus strand). VCF-style: chr2-95919777-A-G. GRCh37 (hg19) VCF-style: chr2-96585525-A-G.
Other names: c.2378T>C, p.Leu793Ser (NM_001310154.3); short protein forms L768S, L793S.
Identifiers: ClinVar variation 2651132 (VCV002651132.24), dbSNP rs150256107, ClinGen allele CA52369706.

ClinVar aggregate classification (germline): Likely benign (1 of 4 stars; one submission).

Allele frequency attached by ClinVar (database versions not stated): gnomAD 0.00028; 1000 Genomes Project 0.00919.
gnomAD v4.1: 486 of 1,391,908 alleles (0.035%); highest among the groups gnomAD compares: Middle Eastern, 0.079%; 110 homozygotes.

Submission:

CeGaT Center for Human Genetics Tuebingen
Classification: Likely benign. Last evaluated: 2025-12-01. Review status: criteria provided, single submitter. Criteria: CeGaT Center For Human Genetics Tuebingen Variant Classification Criteria Version 2. Collection method: clinical testing. Allele origin: germline. Affected: yes. Observed: 6 variant alleles.
Comment: ANKRD36C: BS2